The following is an entry in ClinVar:

ClinVar aggregate classification (germline): Benign/Likely benign. Review status: criteria provided, multiple submitters, no conflicts (2 of 4 stars). 12 submissions from 11 submitters: Benign (1); Likely benign (10). 1 of the submissions does not count toward it. Last evaluated 2026-04-03.

Conditions:
MUTYH-related disorder. Also called: MUTYH-related condition; MUTYH-related disorders.
Gastric cancer. Also called: Malignant tumor of stomach; Stomach cancer. Identifiers: MedGen C0024623, MeSH D013274, MONDO:0001056, OMIM 613659, HP:0012126.
Hereditary cancer-predisposing syndrome. Also called: Neoplastic Syndromes, Hereditary; Tumor predisposition; Hereditary neoplastic syndrome; Hereditary Cancer Syndrome. Identifiers: Orphanet 140162, MedGen C0027672, MeSH D009386, MONDO:0015356.
Familial adenomatous polyposis 2. Also called: MUTYH Polyposis; ADENOMAS, MULTIPLE COLORECTAL, AUTOSOMAL RECESSIVE; MYH-associated polyposis; FAP type 2; Adenomas, multiple colorectal; MUTYH-related attenuated familial adenomatous polyposis. Identifiers: Orphanet 220460, Orphanet 247798, MedGen C3272841, MONDO:0012041, OMIM 608456.

Allele frequency attached by ClinVar (database versions not stated): gnomAD exomes below 0.00001 and 0.00001; gnomAD 0.00001; TOPMed 0.00001; ExAC 0.00002.
gnomAD v4.1: 8 of 1,613,960 alleles (0.0005%); highest among the groups gnomAD compares: East Asian, 0.0045%; no homozygotes.

Submissions (12):

Women's Health and Genetics/Laboratory Corporation of America, LabCorp
Classification: Likely benign. Last evaluated: 2026-04-03. Review status: criteria provided, single submitter. Criteria: LabCorp Variant Classification Summary - May 2015. Collection method: clinical testing. Allele origin: germline.

PreventionGenetics, part of Exact Sciences
Classification: Likely benign for MUTYH-related condition. Last evaluated: 2026-02-16. Review status: criteria provided, single submitter. Criteria: ACMG Guidelines, 2015. Collection method: clinical testing. Allele origin: germline.
Comment: This variant is classified as likely benign based on ACMG/AMP sequence variant interpretation guidelines (Richards et al. 2015 PMID: 25741868, with internal and published modifications).

Labcorp Genetics (formerly Invitae), Labcorp
Classification: Likely benign for Familial adenomatous polyposis 2. Last evaluated: 2025-12-28. Review status: criteria provided, single submitter. Criteria: Invitae Variant Classification Sherloc (09022015). Collection method: clinical testing. Allele origin: germline.

All of Us Research Program, National Institutes of Health
Classification: Likely benign for Familial adenomatous polyposis 2. Last evaluated: 2023-11-30. Review status: criteria provided, single submitter. Criteria: ACMG Guidelines, 2015. Collection method: clinical testing. Allele origin: germline. Inheritance: Autosomal recessive inheritance. Observed: 3 variant alleles, 3 heterozygotes.
Comment: This study involves interpretation of variants in research participants for the purpose of population health screening. Participant phenotype was not available at the time of variant classification. Additional details can be found in publication PMID: 35346344, PMCID: PMC8962531

Blueprint Genetics
Classification: Likely benign. Last evaluated: 2023-04-24. Review status: criteria provided, single submitter. Criteria: ACMG Guidelines, 2015. Collection method: clinical testing. Allele origin: germline.

Sema4
Classification: Likely benign for Hereditary cancer-predisposing syndrome. Last evaluated: 2021-07-11. Review status: criteria provided, single submitter. Criteria: Sema4 Curation Guidelines. Collection method: curation. Allele origin: germline.

Quest Diagnostics Nichols Institute San Juan Capistrano
Classification: Likely benign. Last evaluated: 2021-06-29. Review status: criteria provided, single submitter. Criteria: Quest Diagnostics criteria. Collection method: clinical testing. Allele origin: unknown.

Department of Pathology and Laboratory Medicine, Sinai Health System
Classification: Likely benign for Gastric cancer. Last evaluated: 2019-04-01. Review status: criteria provided, single submitter. Criteria: ACMG Guidelines, 2015. Collection method: research. Allele origin: germline.

Color Diagnostics, LLC DBA Color Health
Classification: Likely benign for Hereditary cancer-predisposing syndrome. Last evaluated: 2017-01-12. Review status: criteria provided, single submitter. Criteria: ACMG Guidelines, 2015. Collection method: clinical testing. Allele origin: germline.

GeneDx
Classification: Benign. Last evaluated: 2015-03-03. Review status: criteria provided, single submitter. Criteria: GeneDx Variant Classification Process June 2021. Collection method: clinical testing. Allele origin: germline. Affected: yes.

Ambry Genetics
Classification: Likely benign for Hereditary cancer-predisposing syndrome. Last evaluated: 2014-11-05. Review status: criteria provided, single submitter. Criteria: Ambry Variant Classification Scheme 2023. Collection method: clinical testing. Allele origin: germline.

Department of Pathology and Laboratory Medicine, Sinai Health System
Classification: Likely benign for Familial adenomatous polyposis 2. Review status: no assertion criteria provided. Collection method: clinical testing. Allele origin: unknown. Affected: yes. Observed: 1 variant allele. Study: The Canadian Open Genetics Repository (COGR). Not counted in ClinVar's aggregate classification.
Comment: The MUTYH p.His26= variant was not identified in the literature nor was it identified in the GeneInsight-COGR, Cosmic, or UMD-LSDB, databases. The variant was identified in dbSNP (ID: rs776396492) as "With Likely benign allele ", and in ClinVar (classified as likely benign by Ambry Genetics, Invitae, Color Genomics). The variant was identified in control databases in 2 of 246264 chromosomes at a frequency of 0.000008 (Genome Aggregation Database Feb 27, 2017). The variant was observed in East Asian population in 2 of 17248 chromosomes (freq: 0.000116), while the variant was not observed in the African, Other, Latino, European, Ashkenazi Jewish, Finnish, and South Asian populations. The p.His26= variant is not expected to have clinical significance because it does not result in a change of amino acid and is not located in a known consensus splice site. In addition, in silico or computational prediction software programs (SpliceSiteFinder, MaxEntScan, NNSPLICE, GeneSplicer, HumanSpliceFinder) do not predict a difference in splicing. In summary, based on the above information the clinical significance of this variant cannot be determined with certainty at this time although we would lean towards a more benign role for this variant. This variant is classified as likely benign.

NM_001048174.2(MUTYH):c.36C>T (p.His12=)

Gene: MUTYH (mutY DNA glycosylase; minus strand). Cytogenetic location: 1p34.1.
Variant type: single nucleotide variant.
Coding change: c.36C>T on transcript NM_001048174.2 (MANE Select); coding-DNA position 36, C replaced by T.
Protein change: p.His12=; no amino-acid change (histidine 12 retained).
Molecular consequence: synonymous variant. On other transcripts: 5 prime UTR variant (4), non-coding transcript variant (2).
Genome position (GRCh38, 1-based): chr1:45,334,470, G>A on the plus strand (C>T on the coding strand, the complement: MUTYH is on the minus strand). VCF-style: chr1-45334470-G-A. GRCh37 (hg19) VCF-style: chr1-45800142-G-A.
Other names: c.36C>T, p.His12= (NM_001048171.2, NM_001048172.2, NM_001048173.2 and 2 more transcripts); c.78C>T, p.His26= (NM_001128425.2, NM_001293190.2, NM_012222.3); c.-177C>T (NM_001293192.2, NM_001293196.2); c.-236C>T (NM_001350650.2); c.-172C>T (NM_001350651.2).
Identifiers: ClinVar variation 186978 (VCV000186978.30), dbSNP rs776396492, ClinGen allele CA014312.
Genomic context (GRCh38, chr1:45,334,470, plus strand): 5'-GGCCTGACTGTTGTTCTTAGCATGCTTCTGCCTCCCTTCCTGGCTGGCTGCCTGCTTCCT[G>A]TGACCACTTCCCACGGCTGCTCGTGGCTTCCTCATGATGGCCTGAAACAAAAAGACCCAG-3'
Protein context (NP_001041639.1, residues 2-22): RKPRAAVGSG[His12=]RKQAASQEGR